The following is an entry in ClinVar:

NM_004525.3(LRP2):c.5014C>T (p.His1672Tyr)

Gene: LRP2 (LDL receptor related protein 2; minus strand). Cytogenetic location: 2q31.1.
Variant type: single nucleotide variant.
Coding change: c.5014C>T on transcript NM_004525.3 (MANE Select); coding-DNA position 5014, C replaced by T.
Protein change: p.His1672Tyr; replaces histidine 1672 with tyrosine.
Molecular consequence: missense variant.
Genome position (GRCh38, 1-based): chr2:169,233,495, G>A on the plus strand (C>T on the coding strand, the complement: LRP2 is on the minus strand). VCF-style: chr2-169233495-G-A. GRCh37 (hg19) VCF-style: chr2-170090005-G-A.
Other names: c.5014C>T (NM_004525.2); short protein forms H1672Y.
Identifiers: ClinVar variation 3007068 (VCV003007068.4), dbSNP rs1209576079, ClinGen allele CA349141208.

ClinVar aggregate classification (germline): Uncertain significance. Review status: criteria provided, multiple submitters, no conflicts (2 of 4 stars). 2 submissions from 2 submitters: Uncertain significance (2). Last evaluated 2025-08-22.

Conditions:
Inborn genetic diseases. Identifiers: MedGen C0950123, MeSH D030342.

Allele frequency attached by ClinVar (database versions not stated): gnomAD exomes below 0.00001; TOPMed 0.00001.
gnomAD v4.1: 1 of 1,614,100 alleles (0.000062%); highest among the groups gnomAD compares: African/African-American, 0.0013%; no homozygotes.

Submissions (2):

Ambry Genetics
Classification: Uncertain significance for Inborn genetic diseases. Last evaluated: 2025-08-22. Review status: criteria provided, single submitter. Criteria: Ambry Variant Classification Scheme 2023. Collection method: clinical testing. Allele origin: germline.

Labcorp Genetics (formerly Invitae), Labcorp
Classification: Uncertain significance. Last evaluated: 2024-01-17. Review status: criteria provided, single submitter. Criteria: Invitae Variant Classification Sherloc (09022015). Collection method: clinical testing. Allele origin: germline.
Comment: This sequence change replaces histidine, which is basic and polar, with tyrosine, which is neutral and polar, at codon 1672 of the LRP2 protein (p.His1672Tyr). This variant is present in population databases (no rsID available, gnomAD 0.007%). This variant has not been reported in the literature in individuals affected with LRP2-related conditions. Advanced modeling of protein sequence and biophysical properties (such as structural, functional, and spatial information, amino acid conservation, physicochemical variation, residue mobility, and thermodynamic stability) performed at Invitae indicates that this missense variant is expected to disrupt LRP2 protein function with a positive predictive value of 95%. Algorithms developed to predict the effect of sequence changes on RNA splicing suggest that this variant may disrupt the consensus splice site. In summary, the available evidence is currently insufficient to determine the role of this variant in disease. Therefore, it has been classified as a Variant of Uncertain Significance.